The following is an entry in ClinVar:

NM_005726.6(TSFM):c.688G>A (p.Val230Met)

Gene: TSFM (Ts translation elongation factor, mitochondrial; plus strand). Cytogenetic location: 12q14.1.
Variant type: single nucleotide variant.
Coding change: c.688G>A on transcript NM_005726.6 (MANE Select); coding-DNA position 688, G replaced by A.
Protein change: p.Val230Met; replaces valine 230 with methionine.
Molecular consequence: missense variant. On other transcripts: 3 prime UTR variant (1), intron variant (1).
Genome position (GRCh38, 1-based): chr12:57,796,293, G>A. VCF-style: chr12-57796293-G-A. GRCh37 (hg19) VCF-style: chr12-58190076-G-A.
Other names: c.*96G>A (NM_001172695.2); c.751G>A, p.Val251Met (NM_001172696.2); c.571+3220G>A (NM_001172697.2); short protein forms V230M, V251M.
Identifiers: ClinVar variation 2418632 (VCV002418632.3), dbSNP rs151248026, ClinGen allele CA385530516.

ClinVar aggregate classification (germline): Uncertain significance (1 of 4 stars; one submission).

gnomAD v4.1: 3 of 1,612,450 alleles (0.00019%); highest among the groups gnomAD compares: Non-Finnish European, 0.00017%; no homozygotes.

Submission:

Labcorp Genetics (formerly Invitae), Labcorp
Classification: Uncertain significance. Last evaluated: 2022-03-11. Review status: criteria provided, single submitter. Criteria: Invitae Variant Classification Sherloc (09022015). Collection method: clinical testing. Allele origin: germline.
Comment: This sequence change replaces valine, which is neutral and non-polar, with methionine, which is neutral and non-polar, at codon 251 of the TSFM protein (p.Val251Met). This variant is not present in population databases (gnomAD no frequency). This variant has not been reported in the literature in individuals affected with TSFM-related conditions. Algorithms developed to predict the effect of missense changes on protein structure and function output the following: SIFT: "Tolerated"; PolyPhen-2: "Benign"; Align-GVGD: "Class C0". The methionine amino acid residue is found in multiple mammalian species, which suggests that this missense change does not adversely affect protein function. In summary, the available evidence is currently insufficient to determine the role of this variant in disease. Therefore, it has been classified as a Variant of Uncertain Significance.